The following is an entry in ClinVar:

ClinVar aggregate classification (germline): Benign. Review status: criteria provided, multiple submitters, no conflicts (2 of 4 stars). 5 submissions from 5 submitters: Benign (5). Last evaluated 2026-02-04.

Conditions:
Osteogenesis imperfecta type 13. Also called: OI, TYPE XIII; Osteogenesis imperfecta, type xiii. Identifiers: Orphanet 666, MedGen C3553887, MONDO:0013924, OMIM 614856.

Allele frequency attached by ClinVar (database versions not stated): gnomAD exomes 0.01618 and 0.04085; ExAC 0.04709; gnomAD 0.12411 and 0.13111; ESP Exome Variant Server 0.13455; TOPMed 0.14099; 1000 Genomes Project 0.15395; 1000 Genomes Project 30x 0.15881.
gnomAD v4.1: 43,511 of 1,614,086 alleles (2.7%); highest among the groups gnomAD compares: African/African-American, 42%; 7,298 homozygotes.

Submissions (5):

Labcorp Genetics (formerly Invitae), Labcorp
Classification: Benign. Last evaluated: 2026-02-04. Review status: criteria provided, single submitter. Criteria: Invitae Variant Classification Sherloc (09022015). Collection method: clinical testing. Allele origin: germline.

Mayo Clinic Laboratories, Mayo Clinic
Classification: Benign. Last evaluated: 2023-03-12. Review status: criteria provided, single submitter. Criteria: ACMG Guidelines, 2015. Collection method: clinical testing. Allele origin: germline. Observed: 10 variant alleles.

Illumina Laboratory Services, Illumina
Classification: Benign for Osteogenesis imperfecta type 13. Last evaluated: 2018-01-12. Review status: criteria provided, single submitter. Criteria: ICSL Variant Classification Criteria 13 December 2019. Collection method: clinical testing. Allele origin: germline.
Comment: This variant was observed in the ICSL laboratory as part of a predisposition screen in an ostensibly healthy population. It had not been previously curated by ICSL or reported in the Human Gene Mutation Database (HGMD: prior to June 1st, 2018), and was therefore a candidate for classification through an automated scoring system. Utilizing variant allele frequency, disease prevalence and penetrance estimates, and inheritance mode, an automated score was calculated to assess if this variant is too frequent to cause the disease. Based on the score and internal cut-off values, a variant classified as benign is not then subjected to further curation. The score for this variant resulted in a classification of benign for this disease.

GeneDx
Classification: Benign. Last evaluated: 2017-07-30. Review status: criteria provided, single submitter. Criteria: GeneDx Variant Classification (06012015). Collection method: clinical testing. Allele origin: germline. Affected: yes.
Comment: This variant is considered likely benign or benign based on one or more of the following criteria: it is a conservative change, it occurs at a poorly conserved position in the protein, it is predicted to be benign by multiple in silico algorithms, and/or has population frequency not consistent with disease.

Breakthrough Genomics
Classification: Benign. Review status: criteria provided, single submitter. Criteria: ACMG Guidelines, 2015. Collection method: not provided. Allele origin: germline. Inheritance: Autosomal recessive inheritance. Affected: yes.

NM_006129.5(BMP1):c.2688C>T (p.Ala896=)

Gene: BMP1 (bone morphogenetic protein 1; plus strand). Cytogenetic location: 8p21.3.
Variant type: single nucleotide variant.
Coding change: c.2688C>T on transcript NM_006129.5 (MANE Select); coding-DNA position 2688, C replaced by T.
Protein change: p.Ala896=; no amino-acid change (alanine 896 retained).
Molecular consequence: synonymous variant. On other transcripts: non-coding transcript variant (1).
Genome position (GRCh38, 1-based): chr8:22,209,557, C>T. VCF-style: chr8-22209557-C-T. GRCh37 (hg19) VCF-style: chr8-22067070-C-T.
Other names: p.Ala896=.
Identifiers: ClinVar variation 362603 (VCV000362603.14), dbSNP rs4076619, ClinGen allele CA4665338.